The following is an entry in ClinVar:

NM_004168.4(SDHA):c.22T>A (p.Ser8Thr)

Gene: SDHA (succinate dehydrogenase complex flavoprotein subunit A; plus strand). Cytogenetic location: 5p15.33.
Variant type: single nucleotide variant.
Coding change: c.22T>A on transcript NM_004168.4 (MANE Select); coding-DNA position 22, T replaced by A.
Protein change: p.Ser8Thr; replaces serine 8 with threonine.
Molecular consequence: missense variant.
Genome position (GRCh38, 1-based): chr5:218,377, T>A. VCF-style: chr5-218377-T-A. GRCh37 (hg19) VCF-style: chr5-218492-T-A.
Other names: c.22T>A, p.Ser8Thr (NM_001294332.2, NM_001330758.2); short protein forms S8T.
Identifiers: ClinVar variation 4789749 (VCV004789749.1).
Genomic context (GRCh38, chr5:218,377, plus strand): 5'-CGCAGGGACTGGCGGGACTGCGCGGCGGCAACAGCAGACATGTCGGGGGTCCGGGGCCTG[T>A]CGCGGCTGCTGAGCGCTCGGCGCCTGGCGCTGGCCAAGGCGGTGAGTCCGTGCCGCGGAC-3'
Protein context (NP_004159.2, residues 1-18): MSGVRGL[Ser8Thr]RLLSARRLAL

ClinVar aggregate classification (germline): Uncertain significance (1 of 4 stars; one submission).

Conditions:
Mitochondrial complex II deficiency, nuclear type 1. Also called: SUCCINATE CoQ REDUCTASE DEFICIENCY. Identifiers: Orphanet 3208, MedGen C5700310, MONDO:0100294, OMIM 252011.
Pheochromocytoma/paraganglioma syndrome 5. Also called: Paragangliomas 5; SDHA-Related Hereditary Paraganglioma-Pheochromocytoma Syndrome. Identifiers: Orphanet 29072, MedGen C3279992, MONDO:0013602, OMIM 614165.

Submission:

Labcorp Genetics (formerly Invitae), Labcorp
Classification: Uncertain significance for Pheochromocytoma/paraganglioma syndrome 5; Mitochondrial complex II deficiency, nuclear type 1. Last evaluated: 2026-01-20. Review status: criteria provided, single submitter. Criteria: Invitae Variant Classification Sherloc (09022015). Collection method: clinical testing. Allele origin: germline.
Comment: This sequence change replaces serine, which is neutral and polar, with threonine, which is neutral and polar, at codon 8 of the SDHA protein (p.Ser8Thr). This variant is not present in population databases (gnomAD no frequency). This variant has not been reported in the literature in individuals affected with SDHA-related conditions. Invitae Evidence Modeling of protein sequence and biophysical properties (such as structural, functional, and spatial information, amino acid conservation, physicochemical variation, residue mobility, and thermodynamic stability) indicates that this missense variant is not expected to disrupt SDHA protein function with a negative predictive value of 95%. In summary, the available evidence is currently insufficient to determine the role of this variant in disease. Therefore, it has been classified as a Variant of Uncertain Significance.